The following is an entry in ClinVar:

NM_001271.4(CHD2):c.3682G>A (p.Glu1228Lys)

Gene: CHD2 (chromodomain helicase DNA binding protein 2; plus strand). Cytogenetic location: 15q26.1.
Variant type: single nucleotide variant.
Coding change: c.3682G>A on transcript NM_001271.4 (MANE Select); coding-DNA position 3682, G replaced by A.
Protein change: p.Glu1228Lys; replaces glutamic acid 1228 with lysine.
Molecular consequence: missense variant.
Genome position (GRCh38, 1-based): chr15:92,997,043, G>A. VCF-style: chr15-92997043-G-A. GRCh37 (hg19) VCF-style: chr15-93540273-G-A.
Other names: short protein forms E1228K.
Identifiers: ClinVar variation 4681827 (VCV004681827.5).

ClinVar aggregate classification (germline): Uncertain significance (1 of 4 stars; one submission).

gnomAD v4.1: 1 of 1,613,760 alleles (0.000062%); highest among the groups gnomAD compares: Non-Finnish European, 0.000085%; no homozygotes.

Submission:

CeGaT Center for Human Genetics Tuebingen
Classification: Uncertain significance. Last evaluated: 2025-11-01. Review status: criteria provided, single submitter. Criteria: CeGaT Center For Human Genetics Tuebingen Variant Classification Criteria Version 2. Collection method: clinical testing. Allele origin: germline. Affected: yes. Observed: 1 variant allele.
Comment: CHD2: PP2, PP3